The following is an entry in ClinVar:

ClinVar aggregate classification (germline): Uncertain significance (1 of 4 stars; one submission).

Allele frequency attached by ClinVar (database versions not stated): ExAC 0.00002; gnomAD 0.00002; gnomAD exomes 0.00002 and 0.00003; TOPMed 0.00002.
gnomAD v4.1: 52 of 1,613,346 alleles (0.0032%); highest among the groups gnomAD compares: Non-Finnish European, 0.0039%; no homozygotes.

Submission:

Labcorp Genetics (formerly Invitae), Labcorp
Classification: Uncertain significance. Last evaluated: 2021-05-05. Review status: criteria provided, single submitter. Criteria: Invitae Variant Classification Sherloc (09022015). Collection method: clinical testing. Allele origin: germline.
Comment: In summary, the available evidence is currently insufficient to determine the role of this variant in disease. Therefore, it has been classified as a Variant of Uncertain Significance. Experimental studies and prediction algorithms are not available or were not evaluated, and the functional significance of this variant is currently unknown. This variant has not been reported in the literature in individuals with HTT-related conditions. This variant is present in population databases (rs775817515, ExAC 0.005%). This sequence change replaces arginine with glycine at codon 707 of the HTT protein (p.Arg707Gly). The arginine residue is moderately conserved and there is a moderate physicochemical difference between arginine and glycine.

NM_001388492.1(HTT):c.2113A>G (p.Arg705Gly)

Gene: HTT (huntingtin; plus strand). Cytogenetic location: 4p16.3.
Variant type: single nucleotide variant.
Coding change: c.2113A>G on transcript NM_001388492.1 (MANE Select); coding-DNA position 2113, A replaced by G.
Protein change: p.Arg705Gly; replaces arginine 705 with glycine.
Molecular consequence: missense variant.
Genome position (GRCh38, 1-based): chr4:3,131,652, A>G. VCF-style: chr4-3131652-A-G. GRCh37 (hg19) VCF-style: chr4-3133379-A-G.
Other names: c.2119A>G, p.Arg707Gly (NM_002111.8); short protein forms R707G, R705G.
Identifiers: ClinVar variation 1362579 (VCV001362579.6), dbSNP rs775817515, ClinGen allele CA2823751.